The following is an entry in ClinVar:

ClinVar aggregate classification (germline): Uncertain significance (1 of 4 stars; one submission).

gnomAD v4.1: 1 of 1,587,278 alleles (0.000063%); no homozygotes.

Submission:

GeneDx
Classification: Uncertain significance. Last evaluated: 2019-10-17. Review status: criteria provided, single submitter. Criteria: GeneDx Variant Classification Process June 2021. Collection method: clinical testing. Allele origin: germline. Affected: yes.
Comment: Not observed in large population cohorts (Lek et al., 2016); In silico analysis, which includes protein predictors and evolutionary conservation, supports a deleterious effect; Has not been previously published as pathogenic or benign to our knowledge; Variants in candidate genes are classified as variants of uncertain significance in accordance with ACMG guidelines (Richards et al., 2015)

NM_015021.3(ZNF292):c.82C>T (p.Arg28Trp)

Genes: ZNF292 (zinc finger protein 292; plus strand), LOC129996783 (ATAC-STARR-seq lymphoblastoid active region 24794; plus strand). Cytogenetic location: 6q14.3.
Variant type: single nucleotide variant.
Coding change: c.82C>T on transcript NM_015021.3 (MANE Select); coding-DNA position 82, C replaced by T.
Protein change: p.Arg28Trp; replaces arginine 28 with tryptophan.
Molecular consequence: missense variant. On other transcripts: 5 prime UTR variant (1).
Genome position (GRCh38, 1-based): chr6:87,155,673, C>T. VCF-style: chr6-87155673-C-T. GRCh37 (hg19) VCF-style: chr6-87865391-C-T.
Other names: c.-484C>T (NM_001351444.2); short protein forms R28W.
Identifiers: ClinVar variation 1315681 (VCV001315681.2), dbSNP rs1018215636, ClinGen allele CA143176154.